The following is an entry in ClinVar:

NM_001130823.3(DNMT1):c.2406C>A (p.Ser802Arg)

Gene: DNMT1 (DNA methyltransferase 1; minus strand). Cytogenetic location: 19p13.2.
Variant type: single nucleotide variant.
Coding change: c.2406C>A on transcript NM_001130823.3 (MANE Select); coding-DNA position 2406, C replaced by A.
Protein change: p.Ser802Arg; replaces serine 802 with arginine.
Molecular consequence: missense variant.
Genome position (GRCh38, 1-based): chr19:10,149,633, G>T on the plus strand (C>A on the coding strand, the complement: DNMT1 is on the minus strand). VCF-style: chr19-10149633-G-T. GRCh37 (hg19) VCF-style: chr19-10260309-G-T.
Other names: c.2358C>A, p.Ser786Arg (NM_001318730.2, NM_001379.4); c.2043C>A, p.Ser681Arg (NM_001318731.2); short protein forms S681R, S802R, S786R.
Identifiers: ClinVar variation 1426524 (VCV001426524.8), dbSNP rs1379915323, ClinGen allele CA403929422.

ClinVar aggregate classification (germline): Uncertain significance (1 of 4 stars; one submission).

Conditions:
Hereditary sensory neuropathy-deafness-dementia syndrome. Also called: Hereditary sensory neuropathy type IE; NEUROPATHY, HEREDITARY SENSORY, WITH HEARING LOSS AND DEMENTIA; Hereditary Sensory and Autonomic Neuropathy Type 1E (HSAN1E); HSN IE. Identifiers: Orphanet 456318, MedGen C3279885, MONDO:0013584, OMIM 614116.

Allele frequency attached by ClinVar (database versions not stated): gnomAD exomes below 0.00001; gnomAD 0.00001.
gnomAD v4.1: 3 of 1,613,752 alleles (0.00019%); highest among the groups gnomAD compares: Admixed American, 0.005%; no homozygotes.

Submission:

Labcorp Genetics (formerly Invitae), Labcorp
Classification: Uncertain significance for Hereditary sensory neuropathy-deafness-dementia syndrome. Last evaluated: 2023-05-15. Review status: criteria provided, single submitter. Criteria: Invitae Variant Classification Sherloc (09022015). Collection method: clinical testing. Allele origin: germline.
Comment: In summary, the available evidence is currently insufficient to determine the role of this variant in disease. Therefore, it has been classified as a Variant of Uncertain Significance. Advanced modeling of protein sequence and biophysical properties (such as structural, functional, and spatial information, amino acid conservation, physicochemical variation, residue mobility, and thermodynamic stability) performed at Invitae indicates that this missense variant is not expected to disrupt DNMT1 protein function. ClinVar contains an entry for this variant (Variation ID: 1426524). This variant has not been reported in the literature in individuals affected with DNMT1-related conditions. This variant is present in population databases (no rsID available, gnomAD 0.003%). This sequence change replaces serine, which is neutral and polar, with arginine, which is basic and polar, at codon 802 of the DNMT1 protein (p.Ser802Arg).